The following is an entry in ClinVar:

NM_002693.3(POLG):c.1322G>A (p.Trp441Ter)

Gene: POLG (DNA polymerase gamma, catalytic subunit; minus strand). Cytogenetic location: 15q26.1.
Variant type: single nucleotide variant.
Coding change: c.1322G>A on transcript NM_002693.3 (MANE Select); coding-DNA position 1322, G replaced by A.
Protein change: p.Trp441Ter; replaces tryptophan 441 with a stop codon.
Molecular consequence: nonsense.
Genome position (GRCh38, 1-based): chr15:89,327,278, C>T on the plus strand (G>A on the coding strand, the complement: POLG is on the minus strand). VCF-style: chr15-89327278-C-T. GRCh37 (hg19) VCF-style: chr15-89870509-C-T.
Other names: c.1322G>A, p.Trp441Ter (NM_001126131.2); short protein forms W441*.
Identifiers: ClinVar variation 5016105 (VCV005016105.1).

ClinVar aggregate classification (germline): Pathogenic (1 of 4 stars; one submission).

Conditions:
POLG-related disorder. Also called: POLG-Related Spectrum Disorders; POLG-related condition; POLG-Related Disorders. Identifiers: MedGen C4763519.

gnomAD v4.1: 1 of 1,614,202 alleles (0.000062%); highest among the groups gnomAD compares: African/African-American, 0.0013%; no homozygotes.

Submission:

Myriad Genetics, Inc.
Classification: Pathogenic for POLG-related disorder. Last evaluated: 2026-07-04. Review status: criteria provided, single submitter. Criteria: Myriad Autosomal Dominant, Autosomal Recessive and X-Linked Classification Criteria (2023). Collection method: clinical testing. Allele origin: unknown.
Comment: NM_002693.2(POLG):c.1322G>A(W441*) is expected to be pathogenic in the context of POLG-related disorders. This variant is predicted to lead to an abnormal or absent protein product due to the creation of a premature termination codon in POLG, a gene where loss-of-function variants are known to be pathogenic. Please note: this variant was assessed in the context of healthy population screening.